The following is an entry in ClinVar:

NM_144628.4(TBC1D20):c.71-49T>G

Gene: TBC1D20 (TBC1 domain family member 20; minus strand). Cytogenetic location: 20p13.
Variant type: single nucleotide variant.
Coding change: c.71-49T>G on transcript NM_144628.4 (MANE Select); 49 bases into the intron before coding-DNA position 71, T replaced by G.
Molecular consequence: intron variant.
Genome position (GRCh38, 1-based): chr20:448,123, A>C on the plus strand (T>G on the coding strand, the complement: TBC1D20 is on the minus strand). VCF-style: chr20-448123-A-C. GRCh37 (hg19) VCF-style: chr20-428767-A-C.
Identifiers: ClinVar variation 670224 (VCV000670224.5), dbSNP rs6139203, ClinGen allele CA9723729.

ClinVar aggregate classification (germline): Benign. Review status: criteria provided, multiple submitters, no conflicts (2 of 4 stars). 3 submissions from 3 submitters: Benign (3). Last evaluated 2021-07-14.

Conditions:
Warburg micro syndrome 4 (WARBM4). Identifiers: Orphanet 2510, MedGen C3810265, MONDO:0014296, OMIM 615663.

Allele frequency attached by ClinVar (database versions not stated): gnomAD exomes 0.44186; ExAC 0.44408; 1000 Genomes Project 0.46985; 1000 Genomes Project 30x 0.47548; TOPMed 0.47764; gnomAD 0.47844 and 0.48145; ESP Exome Variant Server 0.48170.
gnomAD v4.1: 608,738 of 1,396,458 alleles (44%); highest among the groups gnomAD compares: African/African-American, 57%; 135,663 homozygotes.

Submissions (3):

Genome-Nilou Lab
Classification: Benign for Warburg micro syndrome 4. Last evaluated: 2021-07-14. Review status: criteria provided, single submitter. Criteria: ACMG Guidelines, 2015. Collection method: clinical testing. Allele origin: germline. Affected: no.

GeneDx
Classification: Benign. Last evaluated: 2018-06-19. Review status: criteria provided, single submitter. Criteria: GeneDx Variant Classification (06012015). Collection method: clinical testing. Allele origin: germline. Affected: yes.
Comment: This variant is considered likely benign or benign based on one or more of the following criteria: it is a conservative change, it occurs at a poorly conserved position in the protein, it is predicted to be benign by multiple in silico algorithms, and/or has population frequency not consistent with disease.

Breakthrough Genomics
Classification: Benign. Review status: criteria provided, single submitter. Criteria: ACMG Guidelines, 2015. Collection method: not provided. Allele origin: germline. Inheritance: Autosomal recessive inheritance. Affected: yes.